The following continues an entry in ClinVar:

NM_004333.6(BRAF):c.1406G>A (p.Gly469Glu)

Gene: BRAF. ClinVar aggregate classification (germline): Pathogenic. Pathogenic (1). ClinVar aggregate classification (oncogenicity): Oncogenic.

Submissions 11 to 20 of 20:

Genetic Laboratory, Lianyungang Maternal and Child Health Hospital Affiliated to Kangda College of Nanjing Medical University
Classification: Pathogenic for Cardiofaciocutaneous syndrome 1. Last evaluated: 2019-10-01. Review status: criteria provided, single submitter. Criteria: ACMG Guidelines, 2015. Collection method: research. Allele origin: de novo. Affected: yes. Not counted in ClinVar's aggregate classification.

ARUP Laboratories, Molecular Genetics and Genomics, ARUP Laboratories
Classification: Pathogenic. Last evaluated: 2017-03-10. Review status: criteria provided, single submitter. Criteria: ARUP Molecular Germline Variant Investigation Process. Collection method: clinical testing. Allele origin: germline. Not counted in ClinVar's aggregate classification.

Eurofins Ntd Llc (ga)
Classification: Pathogenic. Last evaluated: 2014-07-27. Review status: criteria provided, single submitter. Criteria: EGL Classification Definitions 2015. Collection method: clinical testing. Allele origin: germline. Observed: 1 variant allele, 1 heterozygote. Not counted in ClinVar's aggregate classification.

Laboratory for Molecular Medicine, Mass General Brigham Personalized Medicine
Classification: Pathogenic for Cardio-facio-cutaneous syndrome. Last evaluated: 2011-07-26. Review status: criteria provided, single submitter. Criteria: LMM Criteria. Collection method: clinical testing. Allele origin: germline. Observed: 5 variant alleles. Not counted in ClinVar's aggregate classification.
Comment: The Gly469Glu variant has been reported in the literature in several individuals with clinical features of Cardio-facio-cutaneous syndrome (Niihori 2006, Schulz 2008). In addition, this variant was reported to have occurred de novo in three of those individuals. Therefore, this variant is highly likely to be pathogenic .

Institute for Genomic Statistics and Bioinformatics, University Hospital Bonn
Classification: Pathogenic for Cardiofaciocutaneous syndrome 1. Review status: criteria provided, single submitter. Criteria: ACMG Guidelines, 2015. Collection method: clinical testing. Allele origin: unknown. Affected: yes. Observed: 1 variant allele. Not counted in ClinVar's aggregate classification.

Kasturba Medical College, Manipal, Kasturba Medical College, Manipal, Manipal Academy of Higher Education, Manipal, India
Classification: Pathogenic for Noonan syndrome 7. Review status: criteria provided, single submitter. Criteria: ACMG Guidelines, 2015. Collection method: research. Allele origin: de novo. Inheritance: Autosomal dominant inheritance. Affected: yes. Not counted in ClinVar's aggregate classification.

Foundation for Research in Genetics and Endocrinology, FRIGE's Institute of Human Genetics
Classification: Pathogenic for Cardiofaciocutaneous syndrome 1. Last evaluated: 2017-12-25. Review status: no assertion criteria provided. Collection method: clinical testing. Allele origin: germline. Inheritance: Autosomal dominant inheritance. Affected: yes. Observed: 1 variant allele, 1 heterozygote. Not counted in ClinVar's aggregate classification.
Comment: The observed variant c.1406G>A (p.G469E) is not reported in 1000 Genomes and has a minor allele frequency of 0.000008238 in ExAC databases. The in silico prediction of the variant is disease causing by MutationTaster2, damaging by SIFT, and probably damaging by PolyPhen2.

OMIM
Classification: Pathogenic for CARDIOFACIOCUTANEOUS SYNDROME 1. Last evaluated: 2006-03-01. Review status: no assertion criteria provided. Collection method: literature only. Allele origin: germline. Not counted in ClinVar's aggregate classification.

Baylor Genetics
Classification: Pathogenic for Rasopathy. Review status: no assertion criteria provided. Collection method: clinical testing. Allele origin: unknown. Affected: yes. Not counted in ClinVar's aggregate classification.
Comment: Variant classified using ACMG guidelines

Molecular Genetics, Centre for Human Genetics
Classification: Pathogenic for Noonan syndrome 1. Review status: no assertion criteria provided. Collection method: clinical testing. Allele origin: de novo. Inheritance: Autosomal dominant inheritance. Affected: yes. Observed: 2 variant alleles. Not counted in ClinVar's aggregate classification.

Literature cited by the submitters: PubMed 28783719 (cited by Center for Genomic Medicine, Rigshospitalet, Copenhagen University Hospital and Victorian Clinical Genetics Services, Murdoch Childrens Research Institute); PubMed 15035987 (cited by Center for Genomic Medicine, Rigshospitalet, Copenhagen University Hospital and Women's Health and Genetics/Laboratory Corporation of America, LabCorp); PubMed 33795686 (cited by Center for Genomic Medicine, Rigshospitalet, Copenhagen University Hospital); PubMed 29533785 (cited by Center for Genomic Medicine, Rigshospitalet, Copenhagen University Hospital); PubMed 30141192 (cited by Victorian Clinical Genetics Services, Murdoch Childrens Research Institute); PubMed 16474404 (cited by 8 submitters); PubMed 29540830 (cited by Victorian Clinical Genetics Services, Murdoch Childrens Research Institute); PubMed 35418823 (cited by Victorian Clinical Genetics Services, Murdoch Childrens Research Institute); PubMed 16439621 (cited by Labcorp Genetics (formerly Invitae), Labcorp and Genetic Laboratory, Lianyungang Maternal and Child Health Hospital Affiliated to Kangda College of Nanjing Medical University); PubMed 18042262 (cited by 4 submitters); PubMed 19206169 (cited by Labcorp Genetics (formerly Invitae), Labcorp and Women's Health and Genetics/Laboratory Corporation of America, LabCorp); PubMed 29907801 (cited by Mayo Clinic Laboratories, Mayo Clinic); PubMed 17603483 (cited by Women's Health and Genetics/Laboratory Corporation of America, LabCorp); PubMed 21784453 (cited by Women's Health and Genetics/Laboratory Corporation of America, LabCorp); PubMed 23273605 (cited by Women's Health and Genetics/Laboratory Corporation of America, LabCorp); PubMed 18794803 (cited by Women's Health and Genetics/Laboratory Corporation of America, LabCorp); PubMed 25463315 (cited by Women's Health and Genetics/Laboratory Corporation of America, LabCorp).